The following is an entry in ClinVar:

NM_006493.4(CLN5):c.838G>T (p.Gly280Ter)

Gene: CLN5 (CLN5 lysosomal BMP synthase; plus strand). Cytogenetic location: 13q22.3.
Variant type: single nucleotide variant.
Coding change: c.838G>T on transcript NM_006493.4 (MANE Select); coding-DNA position 838, G replaced by T.
Protein change: p.Gly280Ter; replaces glycine 280 with a stop codon.
Molecular consequence: nonsense. On other transcripts: 3 prime UTR variant (1).
Genome position (GRCh38, 1-based): chr13:77,000,730, G>T. VCF-style: chr13-77000730-G-T. GRCh37 (hg19) VCF-style: chr13-77574865-G-T.
Other names: c.*287G>T (NM_001366624.2); short protein forms G280*.
Identifiers: ClinVar variation 968752 (VCV000968752.16), dbSNP rs768449493, ClinGen allele CA7007267.
Genomic context (GRCh38, chr13:77,000,730, plus strand): 5'-TTTCTTTACAGTGGAGAACCTACTTATCTGGGAAATGAAACATCTGTTTTTGGGCCAACA[G>T]GAAACAAGACTCTTGGTTTAGCCATAAAAAGATTTTATTACCCCTTCAAACCACATTTGC-3'

ClinVar aggregate classification (germline): Pathogenic/Likely pathogenic. Review status: criteria provided, multiple submitters, no conflicts (2 of 4 stars). 5 submissions from 5 submitters: Pathogenic (2); Likely pathogenic (3). Last evaluated 2025-10-01.

Conditions:
Neuronal ceroid lipofuscinosis 5 (CLN5). Also called: CEROID LIPOFUSCINOSIS, NEURONAL, 5, VARIABLE AGE AT ONSET; Neuronal ceroid lipofuscinosis Finnish variant; NEURONAL CEROID LIPOFUSCINOSIS, LATE INFANTILE, FINNISH VARIANT; CLN5-Related Neuronal Ceroid-Lipofuscinosis. Identifiers: Orphanet 168491, Orphanet 228360, MedGen C1850442, MONDO:0009745, OMIM 256731.
Neuronal ceroid lipofuscinosis. Also called: Neuronal Ceroid Lipofuscinoses. Identifiers: Orphanet 216, Orphanet 79263, MedGen C0027877, MONDO:0016295. Disease mechanism: loss of function.

Allele frequency attached by ClinVar (database versions not stated): gnomAD exomes below 0.00001; ExAC 0.00001; gnomAD 0.00003 and 0.00004; TOPMed 0.00003.
gnomAD v4.1: 7 of 1,613,970 alleles (0.00043%); highest among the groups gnomAD compares: African/African-American, 0.0093%; no homozygotes.

Submissions (5):

Natera, Inc.
Classification: Likely pathogenic for Neuronal ceroid lipofuscinosis. Last evaluated: 2025-10-01. Review status: criteria provided, single submitter. Criteria: Natera Variant Classification Schema (03/2026). Collection method: clinical testing. Allele origin: germline.
Comment: The c.985G>T variant in CLN5 is a nonsense variant predicted to introduce a stop codon at amino acid 329. This variant is expected to result in nonsense mediated decay, truncation, or a dysfunctional protein product. This variant is rare in the general population with a frequency below the threshold expected for the associated phenotype(s). Given the available evidence, this variant is classified as Likely Pathogenic.

Labcorp Genetics (formerly Invitae), Labcorp
Classification: Pathogenic for Neuronal ceroid lipofuscinosis. Last evaluated: 2025-03-25. Review status: criteria provided, single submitter. Criteria: Invitae Variant Classification Sherloc (09022015). Collection method: clinical testing. Allele origin: germline.
Comment: This sequence change creates a premature translational stop signal (p.Gly329*) in the CLN5 gene. While this is not anticipated to result in nonsense mediated decay, it is expected to disrupt the last 79 amino acid(s) of the CLN5 protein. This variant is present in population databases (rs768449493, gnomAD 0.007%). This variant has not been reported in the literature in individuals affected with CLN5-related conditions. ClinVar contains an entry for this variant (Variation ID: 968752). This variant disrupts a region of the CLN5 protein in which other variant(s) (p.Tyr392*) have been determined to be pathogenic (PMID: 9662406; internal data). This suggests that this is a clinically significant region of the protein, and that variants that disrupt it are likely to be disease-causing. For these reasons, this variant has been classified as Pathogenic.

Fulgent Genetics
Classification: Likely pathogenic for Neuronal ceroid lipofuscinosis 5. Last evaluated: 2024-05-23. Review status: criteria provided, single submitter. Criteria: ACMG Guidelines, 2015. Collection method: clinical testing. Allele origin: germline.

Baylor Genetics
Classification: Likely pathogenic for Neuronal ceroid lipofuscinosis 5. Last evaluated: 2024-03-10. Review status: criteria provided, single submitter. Criteria: ACMG Guidelines, 2015. Collection method: clinical testing. Allele origin: unknown.

Genome-Nilou Lab
Classification: Pathogenic for Neuronal ceroid lipofuscinosis 5. Last evaluated: 2021-08-10. Review status: criteria provided, single submitter. Criteria: ACMG Guidelines, 2015. Collection method: clinical testing. Allele origin: germline. Affected: no.

Literature cited by the submitters: PubMed 9662406 (cited by Labcorp Genetics (formerly Invitae), Labcorp).